The following is an entry in ClinVar:

NM_001378454.1(ALMS1):c.857C>G (p.Ser286Ter)

Gene: ALMS1 (ALMS1 centrosome and basal body associated protein; plus strand). Cytogenetic location: 2p13.1.
Variant type: single nucleotide variant.
Coding change: c.857C>G on transcript NM_001378454.1 (MANE Select); coding-DNA position 857, C replaced by G.
Protein change: p.Ser286Ter; replaces serine 286 with a stop codon.
Molecular consequence: nonsense.
Genome position (GRCh38, 1-based): chr2:73,424,522, C>G. VCF-style: chr2-73424522-C-G. GRCh37 (hg19) VCF-style: chr2-73651650-C-G.
Other names: c.860C>G, p.Ser287Ter (NM_015120.4); short protein forms S286*, S287*.
Identifiers: ClinVar variation 866803 (VCV000866803.10), dbSNP rs1270472063, ClinGen allele CA347260650.
Genomic context (GRCh38, chr2:73,424,522, plus strand): 5'-GGTCTTCTCGACCATCGGAAGTTAGTGAAGCTTTATTCCAGGCTACTGCAGAAGTAGCTT[C>G]AGACTTAGCAAGCAGTCGCTTTAGTGTATCTCAGCACCCGCTTATAGGCAGCACAGCTGT-3'

ClinVar aggregate classification (germline): Pathogenic/Likely pathogenic. Review status: criteria provided, multiple submitters, no conflicts (2 of 4 stars). 3 submissions from 3 submitters: Pathogenic (1); Likely pathogenic (2). Last evaluated 2025-03-17.

Conditions:
Alstrom syndrome (ALMS). Identifiers: Orphanet 64, MedGen C0268425, MONDO:0008763, OMIM 203800.
ALMS1-related disorder. Also called: ALMS1-related condition.

Allele frequency attached by ClinVar (database versions not stated): TOPMed below 0.00001.

Submissions (3):

Labcorp Genetics (formerly Invitae), Labcorp
Classification: Pathogenic for Alstrom syndrome. Last evaluated: 2025-03-17. Review status: criteria provided, single submitter. Criteria: Invitae Variant Classification Sherloc (09022015). Collection method: clinical testing. Allele origin: germline.
Comment: This sequence change creates a premature translational stop signal (p.Ser287*) in the ALMS1 gene. It is expected to result in an absent or disrupted protein product. Loss-of-function variants in ALMS1 are known to be pathogenic (PMID: 17594715). This variant is not present in population databases (gnomAD no frequency). This variant has not been reported in the literature in individuals affected with ALMS1-related conditions. ClinVar contains an entry for this variant (Variation ID: 866803). For these reasons, this variant has been classified as Pathogenic.

Laboratory for Molecular Medicine, Mass General Brigham Personalized Medicine
Classification: Likely pathogenic for Alstrom syndrome. Last evaluated: 2024-02-21. Review status: criteria provided, single submitter. Criteria: ACMG Guidelines, 2015. Collection method: clinical testing. Allele origin: germline. Inheritance: Autosomal recessive inheritance.
Comment: The p.Ser286X variant in ALMS1 has not been reported in individuals with Alstrom syndrome and was absent from large population studies (v4.0). This variant has been reported in ClinVar (Variation ID 866803). This nonsense variant leads to a premature termination codon at position 286, which is predicted to lead to a truncated or absent protein. Biallelic loss of function of the ALMS1 gene is an established disease mechanism in autosomal recessive Alstrom syndrome. In summary, although additional studies are required to fully establish its clinical significance, this variant meets criteria to be classified as likely pathogenic for autosomal recessive Alstrom syndrome. ACMG/AMP Criteria applied: PVS1, PM2_Supporting.

Blueprint Genetics
Classification: Likely pathogenic for ALMS1-related disorders. Last evaluated: 2022-04-25. Review status: criteria provided, single submitter. Criteria: ACMG Guidelines, 2015. Collection method: clinical testing. Allele origin: germline. Affected: yes. Observed: 2 variant alleles.

Literature cited by the submitters: PubMed 17594715 (cited by Labcorp Genetics (formerly Invitae), Labcorp).